The following is an entry in ClinVar:

NM_014208.3(DSPP):c.3022_3048del (p.1005DSS[1])

Genes: DMP1-AS1 (DMP1 and DSPP antisense RNA 1; minus strand), DSPP (dentin sialophosphoprotein; plus strand). Cytogenetic location: 4q22.1.
Variant type: Deletion.
Coding change: c.3022_3048del on transcript NM_014208.3 (MANE Select); coding-DNA positions 3022 to 3048, 27 bases deleted (GACAGCAGTGACAGCAGTGATAGCAGT).
Protein change: p.1005DSS[1].
Molecular consequence: inframe deletion.
Genome position (GRCh38, 1-based): chr4:87,615,684-87,615,710, GACAGCAGTGACAGCAGTGATAGCAGT deleted; deleting any 27 consecutive bases within chr4:87,615,667-87,615,710 gives the same sequence; the c. name uses the placement nearest the transcript's 3' end. VCF-style (leftmost placement, unchanged base first): chr4-87615666-AACAGCAGTGATAGCAGTGACAGCAGTG-A. GRCh37 (hg19) VCF-style: chr4-88536818-AACAGCAGTGATAGCAGTGACAGCAGTG-A.
Identifiers: ClinVar variation 4293730 (VCV004293730.1).
Genomic context (GRCh38, chr4:87,615,666, plus strand): 5'-AGCAGCGATAGCAGTGACAGCAGTGATAGCAGTGACAGCAGTGACAGCAGTGATAGCAGC[AACAGCAGTGATAGCAGTGACAGCAGTG>A]ACAGCAGTGATAGCAGTAATAGTAGTGACAGCAGCAATAGCAGTGACAGCAGCAACAGCA-3'

ClinVar aggregate classification (germline): Uncertain significance (1 of 4 stars; one submission).

Conditions:
DSPP-related disorder. Also called: DSPP-related condition.

Submission:

3billion
Classification: Uncertain significance for DSPP-related disorder. Last evaluated: 2024-07-31. Review status: criteria provided, single submitter. Criteria: ACMG Guidelines, 2015. Collection method: clinical testing. Allele origin: germline. Affected: yes.
Comment: The variant is not observed in the gnomAD v4.0.0 dataset. Predicted Consequence/Location: Inframe deletion located in a nonrepeat region: predicted to change the length of the protein and disrupt normal protein function. Therefore, this variant is classified as VUS according to the recommendation of ACMG/AMP guideline.